The following is an entry in ClinVar:

NM_001244008.2(KIF1A):c.*2576A>G

Gene: KIF1A (kinesin family member 1A; minus strand). Cytogenetic location: 2q37.3.
Variant type: single nucleotide variant.
Coding change: c.*2576A>G on transcript NM_001244008.2 (MANE Select); 2576 bases downstream of the stop codon, A replaced by G.
Molecular consequence: 3 prime UTR variant.
Genome position (GRCh38, 1-based): chr2:240,714,788, T>C on the plus strand (A>G on the coding strand, the complement: KIF1A is on the minus strand). VCF-style: chr2-240714788-T-C. GRCh37 (hg19) VCF-style: chr2-241654205-T-C.
Other names: c.*2576A>G (NM_001320705.2, NM_001330289.2, NM_001330290.2 and 20 more transcripts).
Identifiers: ClinVar variation 335222 (VCV000335222.6), dbSNP rs79286402, ClinGen allele CA10613291.

ClinVar aggregate classification (germline): Benign. Review status: criteria provided, multiple submitters, no conflicts (2 of 4 stars). 2 submissions from 2 submitters: Benign (2). Last evaluated 2018-01-13.

Conditions:
Hereditary spastic paraplegia 30. Identifiers: Orphanet 101010, MedGen C5235139, MONDO:0012476.

Allele frequency attached by ClinVar (database versions not stated): 1000 Genomes Project 0.03015; 1000 Genomes Project 30x 0.03357; gnomAD 0.03419 and 0.03692; TOPMed 0.03870.

Submissions (2):

Illumina Laboratory Services, Illumina
Classification: Benign for Spastic paraplegia 30A, autosomal dominant. Last evaluated: 2018-01-13. Review status: criteria provided, single submitter. Criteria: ICSL Variant Classification Criteria 13 December 2019. Collection method: clinical testing. Allele origin: germline.
Comment: This variant was observed in the ICSL laboratory as part of a predisposition screen in an ostensibly healthy population. It had not been previously curated by ICSL or reported in the Human Gene Mutation Database (HGMD: prior to June 1st, 2018), and was therefore a candidate for classification through an automated scoring system. Utilizing variant allele frequency, disease prevalence and penetrance estimates, and inheritance mode, an automated score was calculated to assess if this variant is too frequent to cause the disease. Based on the score and internal cut-off values, a variant classified as benign is not then subjected to further curation. The score for this variant resulted in a classification of benign for this disease.

Breakthrough Genomics
Classification: Benign. Review status: criteria provided, single submitter. Criteria: ACMG Guidelines, 2015. Collection method: not provided. Allele origin: germline. Inheritance: Autosomal recessive inheritance. Affected: yes.